The following is an entry in ClinVar:

NM_004586.3(RPS6KA3):c.1770A>G (p.Leu590=)

Gene: RPS6KA3 (ribosomal protein S6 kinase A3; minus strand). Cytogenetic location: Xp22.12.
Variant type: single nucleotide variant.
Coding change: c.1770A>G on transcript NM_004586.3 (MANE Select); coding-DNA position 1770, A replaced by G.
Protein change: p.Leu590=; no amino-acid change (leucine 590 retained).
Molecular consequence: synonymous variant.
Genome position (GRCh38, 1-based): chrX:20,163,035, T>C on the plus strand (A>G on the coding strand, the complement: RPS6KA3 is on the minus strand). VCF-style: chrX-20163035-T-C. GRCh37 (hg19) VCF-style: chrX-20181153-T-C.
Other names: c.1686A>G, p.Leu562= (NM_001438340.1).
Identifiers: ClinVar variation 5039900 (VCV005039900.1).

ClinVar aggregate classification (germline): Likely benign (1 of 4 stars; one submission).

gnomAD v4.1: 3 of 1,179,672 alleles (0.00025%); highest among the groups gnomAD compares: African/African-American, 0.0018%; no homozygotes.

Submission:

CeGaT Center for Human Genetics Tuebingen
Classification: Likely benign. Last evaluated: 2026-07-01. Review status: criteria provided, single submitter. Criteria: CeGaT Center For Human Genetics Tuebingen Variant Classification Criteria Version 2. Collection method: clinical testing. Allele origin: germline. Affected: yes. Observed: 1 variant allele.
Comment: RPS6KA3: BP4, BP7